The following is an entry in ClinVar:

NM_000069.3(CACNA1S):c.218C>G (p.Pro73Arg)

Gene: CACNA1S (calcium voltage-gated channel subunit alpha1 S; minus strand). Cytogenetic location: 1q32.1.
Variant type: single nucleotide variant.
Coding change: c.218C>G on transcript NM_000069.3 (MANE Select); coding-DNA position 218, C replaced by G.
Protein change: p.Pro73Arg; replaces proline 73 with arginine.
Molecular consequence: missense variant.
Genome position (GRCh38, 1-based): chr1:201,110,204, G>C on the plus strand (C>G on the coding strand, the complement: CACNA1S is on the minus strand). VCF-style: chr1-201110204-G-C. GRCh37 (hg19) VCF-style: chr1-201079332-G-C.
Other names: short protein forms P73R.
Identifiers: ClinVar variation 3073343 (VCV003073343.2), dbSNP rs1194326701, ClinGen allele CA344155918.

ClinVar aggregate classification (germline): Uncertain significance. Review status: criteria provided, multiple submitters, no conflicts (2 of 4 stars). 2 submissions from 2 submitters: Uncertain significance (2). Last evaluated 2024-10-11.

Conditions:
Malignant hyperthermia, susceptibility to, 5 (MHS5). Also called: CACNA1S-Related Malignant Hyperthermia Susceptibility. Identifiers: Orphanet 423, MedGen C1866077, MONDO:0011163, OMIM 601887.

Allele frequency attached by ClinVar (database versions not stated): gnomAD exomes below 0.00001; TOPMed below 0.00001; gnomAD 0.00001.

Submissions (2):

Blueprint Genetics
Classification: Uncertain significance. Last evaluated: 2024-10-11. Review status: criteria provided, single submitter. Criteria: ACMG Guidelines, 2015. Collection method: clinical testing. Allele origin: germline.

All of Us Research Program, National Institutes of Health
Classification: Uncertain significance for Malignant hyperthermia, susceptibility to, 5. Last evaluated: 2023-09-04. Review status: criteria provided, single submitter. Criteria: ACMG Guidelines, 2015. Collection method: clinical testing. Allele origin: germline. Inheritance: Autosomal dominant inheritance. Observed: 1 variant allele, 1 heterozygote.
Comment: This missense variant replaces proline with arginine at codon 73 of the CACNA1S protein. Computational prediction suggests that this variant may have deleterious impact on protein structure and function (internally defined REVEL score threshold >= 0.7, PMID: 27666373). To our knowledge, functional studies have not been reported for this variant. This variant has not been reported in individuals affected with CACNA1S-related disorders in the literature. This variant has not been identified in the general population by the Genome Aggregation Database (gnomAD). The available evidence is insufficient to determine the role of this variant in disease conclusively. Therefore, this variant is classified as a Variant of Uncertain Significance.

This study involves interpretation of variants in research participants for the purpose of population health screening. Participant phenotype was not available at the time of variant classification. Additional details can be found in publication PMID: 35346344, PMCID: PMC8962531